The following is an entry in ClinVar:

ClinVar aggregate classification (germline): Uncertain significance (1 of 4 stars; one submission).

Conditions:
Pyogenic arthritis-pyoderma gangrenosum-acne syndrome (PAPA). Also called: PAPA SYNDROME; FAMILIAL RECURRENT ARTHRITIS. Identifiers: Orphanet 69126, MedGen C1858361, MONDO:0011462, OMIM 604416.

Allele frequency attached by ClinVar (database versions not stated): gnomAD exomes below 0.00001; gnomAD 0.00001.

Submission:

Laboratorio de Genetica e Diagnostico Molecular, Hospital Israelita Albert Einstein
Classification: Uncertain significance for Pyogenic arthritis-pyoderma gangrenosum-acne syndrome. Last evaluated: 2022-10-15. Review status: criteria provided, single submitter. Criteria: ACMG Guidelines, 2015. Collection method: clinical testing. Allele origin: germline. Affected: yes. Observed: 1 variant allele.
Comment: ACMG classification criteria: PM2 moderated, PP3 supporting

NM_003978.5(PSTPIP1):c.1226C>T (p.Pro409Leu)

Gene: PSTPIP1 (proline-serine-threonine phosphatase interacting protein 1; plus strand). Cytogenetic location: 15q24.3.
Variant type: single nucleotide variant.
Coding change: c.1226C>T on transcript NM_003978.5 (MANE Select); coding-DNA position 1226, C replaced by T.
Protein change: p.Pro409Leu; replaces proline 409 with leucine.
Molecular consequence: missense variant. On other transcripts: non-coding transcript variant (1).
Genome position (GRCh38, 1-based): chr15:77,037,151, C>T. VCF-style: chr15-77037151-C-T. GRCh37 (hg19) VCF-style: chr15-77329492-C-T.
Other names: c.1169C>T, p.Pro390Leu (NM_001321135.2); c.1199C>T, p.Pro400Leu (NM_001321136.2); c.1421C>T, p.Pro474Leu (NM_001321137.1); c.1217C>T, p.Pro406Leu (NM_001411086.1); short protein forms P390L, P400L, P406L, P409L, P474L.
Identifiers: ClinVar variation 2431469 (VCV002431469.1), dbSNP rs2076600814, ClinGen allele CA393522140.